The following is an entry in ClinVar:

NM_000492.4(CFTR):c.-8G>C

Genes: CFTR (CF transmembrane conductance regulator; plus strand), LOC111674463 (CFTR promoter region; plus strand). Cytogenetic location: 7q31.2.
Variant type: single nucleotide variant.
Coding change: c.-8G>C on transcript NM_000492.4 (MANE Select); 8 bases upstream of the start codon, G replaced by C.
Molecular consequence: 5 prime UTR variant.
Genome position (GRCh38, 1-based): chr7:117,480,087, G>C. VCF-style: chr7-117480087-G-C. GRCh37 (hg19) VCF-style: chr7-117120141-G-C.
Other names: 125G/C.
Identifiers: ClinVar variation 93148 (VCV000093148.58), dbSNP rs1800501, ClinGen allele CA146694.

ClinVar aggregate classification (germline): Benign/Likely benign. Review status: criteria provided, multiple submitters, no conflicts (2 of 4 stars). 20 submissions from 20 submitters: Benign (13); Likely benign (3). 4 of the submissions do not count toward it. Last evaluated 2026-02-04.

Conditions:
Cystic fibrosis (CF). Also called: MUCOVISCIDOSIS. Identifiers: Orphanet 586, MedGen C0010674, MONDO:0009061, OMIM 219700. Disease mechanism: loss of function.
Hereditary pancreatitis (PCTT). Also called: Hereditary chronic pancreatitis; PRSS1-Related Hereditary Pancreatitis. Identifiers: Orphanet 676, MedGen C0238339, MONDO:0008185, OMIM 167800.
CFTR-related disorder (CFTR-RD). Also called: CFTR-related disorders; CFTR-related condition. Identifiers: MedGen C5924204, MONDO:7770004.

Allele frequency attached by ClinVar (database versions not stated): 1000 Genomes Project 30x 0.02639; 1000 Genomes Project 0.02736; TOPMed 0.03683; ESP Exome Variant Server 0.04060; gnomAD 0.04288 and 0.04368; ExAC 0.04549; gnomAD exomes 0.04575.
gnomAD v4.1: 83,695 of 1,613,616 alleles (5.2%); highest among the groups gnomAD compares: East Asian, 5.9%; 2,457 homozygotes.

Submissions (20):

Labcorp Genetics (formerly Invitae), Labcorp
Classification: Benign for Cystic fibrosis. Last evaluated: 2026-02-04. Review status: criteria provided, single submitter. Criteria: Invitae Variant Classification Sherloc (09022015). Collection method: clinical testing. Allele origin: germline.

ARUP Laboratories, Molecular Genetics and Genomics, ARUP Laboratories
Classification: Benign. Last evaluated: 2025-07-29. Review status: criteria provided, single submitter. Criteria: ARUP Molecular Germline Variant Investigation Process 2024. Collection method: clinical testing. Allele origin: germline.

Blueprint Genetics
Classification: Likely benign. Last evaluated: 2024-11-27. Review status: criteria provided, single submitter. Criteria: ACMG Guidelines, 2015. Collection method: clinical testing. Allele origin: germline.

Johns Hopkins Genomics, Johns Hopkins University
Classification: Benign for Cystic fibrosis. Last evaluated: 2024-08-13. Review status: criteria provided, single submitter. Criteria: ACMG Guidelines, 2015. Collection method: clinical testing. Allele origin: germline.
Comment: BA1

Dasa
Classification: Benign. Last evaluated: 2024-01-16. Review status: criteria provided, single submitter. Criteria: DASA Assertion Criteria. Collection method: clinical testing. Allele origin: germline.
Comment: NM_000492.4(CFTR):c.-8G>C is interpreted as benign based on a combination of available evidence, which may include population frequency, observations in unaffected individuals, intact protein function, lack of segregation with disease, in silico models, amino acid conservation, lack of disease association in case-control studies, and/or inconsistency with the known disease mechanism or impacted region. Based on the available data, this variant is classified as benign.

Mayo Clinic Laboratories, Mayo Clinic
Classification: Benign. Last evaluated: 2023-02-16. Review status: criteria provided, single submitter. Criteria: ACMG Guidelines, 2015. Collection method: clinical testing. Allele origin: germline. Observed: 406 variant alleles.

Institute of Human Genetics, University of Leipzig Medical Center
Classification: Benign for Cystic fibrosis. Last evaluated: 2022-09-05. Review status: criteria provided, single submitter. Criteria: ACMG Guidelines, 2015. Collection method: curation. Allele origin: unknown. Affected: yes. Observed: 1 variant allele.
Comment: The variant was classified in the context of a project re-classifying variants in the German Cystic Fibrosis Registry (Muko.e.V.). Criteria applied: BS1, BS2, BS3

Sema4
Classification: Benign for Hereditary pancreatitis. Last evaluated: 2020-01-30. Review status: criteria provided, single submitter. Criteria: Sema4 Curation Guidelines. Collection method: curation. Allele origin: germline.

GeneDx
Classification: Benign. Last evaluated: 2018-06-22. Review status: criteria provided, single submitter. Criteria: GeneDx Variant Classification Process June 2021. Collection method: clinical testing. Allele origin: germline. Affected: yes.
Comment: This variant is associated with the following publications: (PMID: 30296588, 19652440, 27022295, 15905293)

CFTR-France
Classification: Benign for cystic fibrosis. Last evaluated: 2018-01-29. Review status: criteria provided, single submitter. Criteria: Claustres M et al. (Hum Mutat 2017). Collection method: curation. Allele origin: germline. Affected: yes and no.
Comment: the variant does not result in CFTR-RD neither

Illumina Laboratory Services, Illumina
Classification: Likely benign for CFTR-Related Disorders. Last evaluated: 2018-01-13. Review status: criteria provided, single submitter. Criteria: ICSL Variant Classification Criteria 13 December 2019. Collection method: clinical testing. Allele origin: germline.
Comment: This variant was observed in the ICSL laboratory as part of a predisposition screen in an ostensibly healthy population. It had not been previously curated by ICSL or reported in the Human Gene Mutation Database (HGMD: prior to June 1st, 2018), and was therefore a candidate for classification through an automated scoring system. Utilizing variant allele frequency, disease prevalence and penetrance estimates, and inheritance mode, an automated score was calculated to assess if this variant is too frequent to cause the disease. Based on the score and internal cut-off values, a variant classified as likely benign is not then subjected to further curation. The score for this variant resulted in a classification of likely benign for this disease.

Eurofins Ntd Llc (ga)
Classification: Benign. Last evaluated: 2017-07-06. Review status: criteria provided, single submitter. Criteria: EGL Classification Definitions 2015. Collection method: clinical testing. Allele origin: germline. Observed: 43 variant alleles, 42 heterozygotes, 1 homozygote.

Ambry Genetics
Classification: Benign for Cystic fibrosis. Last evaluated: 2014-11-19. Review status: criteria provided, single submitter. Criteria: Ambry Variant Classification Scheme 2023. Collection method: clinical testing. Allele origin: germline.

Laboratory for Molecular Medicine, Mass General Brigham Personalized Medicine
Classification: Benign. Last evaluated: 2013-02-21. Review status: criteria provided, single submitter. Criteria: LMM Criteria. Collection method: clinical testing. Allele origin: germline. Observed: 10 variant alleles.
Comment: -8G>C in exon 1 of CFTR: This variant is not expected to have clinical significa nce because it has been identified in 5.5% (477/8600) of European American chrom osomes from a broad population by the NHLBI Exome Sequencing Project (.gs.washington.

Breakthrough Genomics
Classification: Likely benign. Review status: criteria provided, single submitter. Criteria: ACMG Guidelines, 2015. Collection method: not provided. Allele origin: germline. Inheritance: Autosomal recessive inheritance. Affected: yes.

PreventionGenetics, part of Exact Sciences
Classification: Benign. Review status: criteria provided, single submitter. Criteria: ACMG Guidelines, 2015. Collection method: clinical testing. Allele origin: germline.

Natera, Inc.
Classification: Benign for CFTR-related disorders. Last evaluated: 2017-05-10. Review status: no assertion criteria provided. Collection method: clinical testing. Allele origin: germline. Not counted in ClinVar's aggregate classification.

Clinical Genetics DNA and cytogenetics Diagnostics Lab, Erasmus MC, Erasmus Medical Center
Classification: Benign. Review status: no assertion criteria provided. Collection method: clinical testing. Allele origin: germline. Affected: yes. Study: VKGL Data-share Consensus. Not counted in ClinVar's aggregate classification.

Diagnostic Laboratory, Department of Genetics, University Medical Center Groningen
Classification: Benign. Review status: no assertion criteria provided. Collection method: clinical testing. Allele origin: germline. Affected: yes. Study: VKGL Data-share Consensus. Not counted in ClinVar's aggregate classification.

Joint Genome Diagnostic Labs from Nijmegen and Maastricht, Radboudumc and MUMC+
Classification: Benign. Review status: no assertion criteria provided. Collection method: clinical testing. Allele origin: germline. Affected: yes. Study: VKGL Data-share Consensus. Not counted in ClinVar's aggregate classification.